The following is an entry in ClinVar:

NM_000548.5(TSC2):c.3224C>T (p.Thr1075Ile)

Gene: TSC2 (TSC complex subunit 2; plus strand). Cytogenetic location: 16p13.3.
Variant type: single nucleotide variant.
Coding change: c.3224C>T on transcript NM_000548.5 (MANE Select); coding-DNA position 3224, C replaced by T.
Protein change: p.Thr1075Ile; replaces threonine 1075 with isoleucine.
Molecular consequence: missense variant.
Genome position (GRCh38, 1-based): chr16:2,079,368, C>T. VCF-style: chr16-2079368-C-T. GRCh37 (hg19) VCF-style: chr16-2129369-C-T.
Other names: c.3092C>T, p.Thr1031Ile (NM_001077183.3, NM_001370404.1); c.3224C>T, p.Thr1075Ile (NM_001114382.3); c.2984C>T, p.Thr995Ile (NM_001318827.2); c.2948C>T, p.Thr983Ile (NM_001318829.2); c.2492C>T, p.Thr831Ile (NM_001318831.2); c.3125C>T, p.Thr1042Ile (NM_001318832.2); c.3095C>T, p.Thr1032Ile (NM_001363528.2, NM_001370405.1, NM_021055.3); short protein forms T1075I, T1031I, T1032I, T831I, T983I, T1042I, T995I.
Identifiers: ClinVar variation 65039 (VCV000065039.11), dbSNP rs397515024, ClinGen allele CA018717.

ClinVar aggregate classification (germline): Uncertain significance. Review status: criteria provided, multiple submitters, no conflicts (2 of 4 stars). 3 submissions from 3 submitters: Uncertain significance (2). 1 of the submissions does not count toward it. Last evaluated 2025-02-19.

Conditions:
Hereditary cancer-predisposing syndrome. Also called: Tumor predisposition; Hereditary Cancer Syndrome; Neoplastic Syndromes, Hereditary; Hereditary neoplastic syndrome. Identifiers: Orphanet 140162, MedGen C0027672, MeSH D009386, MONDO:0015356.
Tuberous sclerosis syndrome (TSC). Also called: Tuberous Sclerosis Complex; Tuberous sclerosis. Identifiers: Orphanet 805, MedGen C0041341, MONDO:0001734.
Tuberous sclerosis 2 (TSC2). Identifiers: Orphanet 805, MedGen C1860707, MONDO:0013199, OMIM 613254.

Allele frequency attached by ClinVar (database versions not stated): gnomAD exomes below 0.00001.
gnomAD v4.1: 2 of 1,612,928 alleles (0.00012%); highest among the groups gnomAD compares: Non-Finnish European, 0.00017%; no homozygotes.

Submissions (3):

Ambry Genetics
Classification: Uncertain significance for Hereditary cancer-predisposing syndrome. Last evaluated: 2025-02-19. Review status: criteria provided, single submitter. Criteria: Ambry Variant Classification Scheme 2023. Collection method: clinical testing. Allele origin: germline.
Comment: The p.T1075I variant (also known as c.3224C>T), located in coding exon 27 of the TSC2 gene, results from a C to T substitution at nucleotide position 3224. The threonine at codon 1075 is replaced by isoleucine, an amino acid with similar properties. Analysis of this variant in a transfection-based immunoblot assay showed impaired function compare to wild type TSC2 (Hoogeveen-Westerveld M et al. Hum Mutat, 2011 Apr;32:424-35). This amino acid position is not well conserved in available vertebrate species. In addition, the in silico prediction for this alteration is inconclusive. Based on the available evidence, the clinical significance of this variant remains unclear.

Labcorp Genetics (formerly Invitae), Labcorp
Classification: Uncertain significance for Tuberous sclerosis 2. Last evaluated: 2024-12-21. Review status: criteria provided, single submitter. Criteria: Invitae Variant Classification Sherloc (09022015). Collection method: clinical testing. Allele origin: germline.
Comment: This sequence change replaces threonine, which is neutral and polar, with isoleucine, which is neutral and non-polar, at codon 1075 of the TSC2 protein (p.Thr1075Ile). This variant is not present in population databases (gnomAD no frequency). This missense change has been observed in individual(s) with clinical features of TSC2-related conditions (PMID: 21520333). ClinVar contains an entry for this variant (Variation ID: 65039). Invitae Evidence Modeling of protein sequence and biophysical properties (such as structural, functional, and spatial information, amino acid conservation, physicochemical variation, residue mobility, and thermodynamic stability) indicates that this missense variant is not expected to disrupt TSC2 protein function with a negative predictive value of 95%. Experimental studies have shown that this missense change does not substantially affect TSC2 function (PMID: 18854862, 21309039). In summary, the available evidence is currently insufficient to determine the role of this variant in disease. Therefore, it has been classified as a Variant of Uncertain Significance.

Tuberous sclerosis database (TSC2)
No classification provided. Condition: TSC. Review status: no classification provided. Criteria: Tuberous Sclerosis Database Assertion Criteria 2015. Collection method: curation. Allele origin: germline. Affected: yes. Not counted in ClinVar's aggregate classification.

Literature cited by the submitters: PubMed 21309039 (cited by Ambry Genetics and Labcorp Genetics (formerly Invitae), Labcorp); PubMed 21520333 (cited by Labcorp Genetics (formerly Invitae), Labcorp); PubMed 18854862 (cited by Labcorp Genetics (formerly Invitae), Labcorp).